The following is an entry in ClinVar:

ClinVar aggregate classification (germline): Uncertain significance (1 of 4 stars; one submission).

Submission:

GeneDx
Classification: Uncertain significance. Last evaluated: 2023-01-19. Review status: criteria provided, single submitter. Criteria: GeneDx Variant Classification Process June 2021. Collection method: clinical testing. Allele origin: germline. Affected: yes.
Comment: Identified in a patient with protein C deficiency in published literature, although additional clinical information was not included (Rovida et al., 2007); Not observed at significant frequency in large population cohorts (gnomAD); In silico analysis supports that this missense variant has a deleterious effect on protein structure/function; This variant is associated with the following publications: (PMID: 17152060)

NM_000312.4(PROC):c.1262G>A (p.Ser421Asn)

Gene: PROC (protein C, inactivator of coagulation factors Va and VIIIa; plus strand). Cytogenetic location: 2q14.3.
Variant type: single nucleotide variant.
Coding change: c.1262G>A on transcript NM_000312.4 (MANE Select); coding-DNA position 1262, G replaced by A.
Protein change: p.Ser421Asn; replaces serine 421 with asparagine.
Molecular consequence: missense variant.
Genome position (GRCh38, 1-based): chr2:127,428,822, G>A. VCF-style: chr2-127428822-G-A. GRCh37 (hg19) VCF-style: chr2-128186398-G-A.
Other names: c.1445G>A, p.Ser482Asn (NM_001375602.1); c.1427G>A, p.Ser476Asn (NM_001375603.1); c.1325G>A, p.Ser442Asn (NM_001375604.1); c.1364G>A, p.Ser455Asn (NM_001375605.1); c.1430G>A, p.Ser477Asn (NM_001375606.1); c.1448G>A, p.Ser483Asn (NM_001375607.1); c.1205G>A, p.Ser402Asn (NM_001375608.1); c.1238G>A, p.Ser413Asn (NM_001375609.1); and 2 more; short protein forms S402N, S413N, S419N, S421N, S442N, S455N, S476N, S477N.
Identifiers: ClinVar variation 2573786 (VCV002573786.1), dbSNP rs2468379881, ClinGen allele CA348406486.